The following is an entry in ClinVar:

NM_007294.4(BRCA1):c.5075-373C>T

Gene: BRCA1 (BRCA1 DNA repair associated; minus strand). Cytogenetic location: 17q21.31.
Variant type: single nucleotide variant.
Coding change: c.5075-373C>T on transcript NM_007294.4 (MANE Select); 373 bases into the intron before coding-DNA position 5075, C replaced by T.
Molecular consequence: intron variant.
Genome position (GRCh38, 1-based): chr17:43,064,324, G>A on the plus strand (C>T on the coding strand, the complement: BRCA1 is on the minus strand). VCF-style: chr17-43064324-G-A. GRCh37 (hg19) VCF-style: chr17-41216341-G-A.
Other names: IVS 17-373C>T; c.1622-373C>T (NM_001408458.1, NM_001408461.1, NM_001408464.1 and 7 more transcripts); c.4184-373C>T (NM_001407967.1); c.4694-373C>T (NM_001407959.1); c.4808-373C>T (NM_001407931.1, NM_001407932.1, NM_001407928.1 and 4 more transcripts); c.4931-373C>T (NM_001407747.1, NM_001407745.1, NM_001407737.1 and 21 more transcripts); c.4691-373C>T (NM_001407962.1, NM_001407960.1); c.1262-373C>T (NM_001408512.1); and 74 more.
Identifiers: ClinVar variation 209324 (VCV000209324.2), dbSNP rs8176255, ClinGen allele CA276296.

ClinVar aggregate classification (germline): Benign (3 of 4 stars; one submission).

Conditions:
Breast-ovarian cancer, familial, susceptibility to, 1 (BROVCA1). Also called: BRCA1 Hereditary Breast and Ovarian Cancer; OVARIAN CANCER, SUSCEPTIBILITY TO. Identifiers: Orphanet 145, MedGen C2676676, MONDO:0011450, OMIM 604370. Disease mechanism: loss of function.

Allele frequency attached by ClinVar (database versions not stated): gnomAD 0.10536 and 0.11156; 1000 Genomes Project 0.11522; TOPMed 0.11806; 1000 Genomes Project 30x 0.12055.
gnomAD v4.1: 15,870 of 152,190 alleles (10%); highest among the groups gnomAD compares: African/African-American, 35%; 2,562 homozygotes.

Submission:

Evidence-based Network for the Interpretation of Germline Mutant Alleles (ENIGMA)
Classification: Benign for Breast-ovarian cancer, familial 1. Last evaluated: 2015-01-12. Review status: reviewed by expert panel. Criteria: ENIGMA BRCA1/2 Classification Criteria (2015). Collection method: curation. Allele origin: germline.
Comment: Class 1 not pathogenic based on frequency >1% in an outbred sampleset. Frequency 0.376 (African), derived from 1000 genomes (2012-04-30).